The following is an entry in ClinVar:

NM_020745.4(AARS2):c.539T>C (p.Leu180Pro)

Gene: AARS2 (alanyl-tRNA synthetase 2, mitochondrial; minus strand). Cytogenetic location: 6p21.1.
Variant type: single nucleotide variant.
Coding change: c.539T>C on transcript NM_020745.4 (MANE Select); coding-DNA position 539, T replaced by C.
Protein change: p.Leu180Pro; replaces leucine 180 with proline.
Molecular consequence: missense variant.
Genome position (GRCh38, 1-based): chr6:44,311,432, A>G on the plus strand (T>C on the coding strand, the complement: AARS2 is on the minus strand). VCF-style: chr6-44311432-A-G. GRCh37 (hg19) VCF-style: chr6-44279169-A-G.
Other names: short protein forms L180P.
Identifiers: ClinVar variation 1328580 (VCV001328580.7), dbSNP rs2153357304, ClinGen allele CA364341215.
Genomic context (GRCh38, chr6:44,311,432, plus strand): 5'-AGAAGGGGGCTGACTTACCCTAAGCTCAGCCAGATGTCCCTGGTCTCCAGGTCTGGGTCC[A>G]GCCCTGCCTTGGGGTCACCATCAAAGTAGGAGATCCAGAGCCTTTCCTCAGGGATCCCAT-3'
Protein context (NP_065796.2, residues 170-190): SYFDGDPKAG[Leu180Pro]DPDLETRDIW

ClinVar aggregate classification (germline): Uncertain significance. Review status: criteria provided, multiple submitters, no conflicts (2 of 4 stars). 2 submissions from 2 submitters: Uncertain significance (2). Last evaluated 2025-08-04.

Conditions:
Inborn genetic diseases. Identifiers: MedGen C0950123, MeSH D030342.

gnomAD v4.1: 1 of 1,614,174 alleles (0.000062%); highest among the groups gnomAD compares: Non-Finnish European, 0.000085%; no homozygotes.

Submissions (2):

Ambry Genetics
Classification: Uncertain significance for Inborn genetic diseases. Last evaluated: 2025-08-04. Review status: criteria provided, single submitter. Criteria: Ambry Variant Classification Scheme 2023. Collection method: clinical testing. Allele origin: germline.

GeneDx
Classification: Uncertain significance. Last evaluated: 2021-06-15. Review status: criteria provided, single submitter. Criteria: GeneDx Variant Classification Process June 2021. Collection method: clinical testing. Allele origin: germline. Affected: yes.